The following is an entry in ClinVar:

ClinVar aggregate classification (germline): Likely benign (1 of 4 stars; one submission).

gnomAD v4.1: 182 of 1,613,988 alleles (0.011%); highest among the groups gnomAD compares: Non-Finnish European, 0.014%; no homozygotes.

Submission:

CeGaT Center for Human Genetics Tuebingen
Classification: Likely benign. Last evaluated: 2026-04-01. Review status: criteria provided, single submitter. Criteria: CeGaT Center For Human Genetics Tuebingen Variant Classification Criteria Version 2. Collection method: clinical testing. Allele origin: germline. Affected: yes. Observed: 1 variant allele.
Comment: SIAH1: BP4, BS2

NM_003031.4(SIAH1):c.-2-2962G>T

Gene: SIAH1 (siah E3 ubiquitin protein ligase 1; minus strand). Cytogenetic location: 16q12.1.
Variant type: single nucleotide variant.
Coding change: c.-2-2962G>T on transcript NM_003031.4 (MANE Select); 2962 bases into the intron before 2 bases upstream of the start codon, G replaced by T.
Molecular consequence: intron variant. On other transcripts: missense variant (1).
Genome position (GRCh38, 1-based): chr16:48,365,392, C>A on the plus strand (G>T on the coding strand, the complement: SIAH1 is on the minus strand). VCF-style: chr16-48365392-C-A. GRCh37 (hg19) VCF-style: chr16-48399303-C-A.
Other names: c.86G>T, p.Arg29Ile (NM_001006610.2); short protein forms R29I.
Identifiers: ClinVar variation 4873886 (VCV004873886.2).
Genomic context (GRCh38, chr16:48,365,392, plus strand): 5'-ACTAATAGCGTTCAAGTTTCACAGCCTCAGCAAACCATCCTCTTAATGTCAATACCTTTT[C>A]TCTTCCTTGTCCTGGCCGCTGGTAAACATGTGAACAAGACTCCCCTCCAGGAGTACAGAG-3'